The following is an entry in ClinVar:

NM_001498.4(GCLC):c.90C>T (p.Phe30=)

Gene: GCLC (glutamate-cysteine ligase catalytic subunit; minus strand). Cytogenetic location: 6p12.1.
Variant type: single nucleotide variant.
Coding change: c.90C>T on transcript NM_001498.4 (MANE Select); coding-DNA position 90, C replaced by T.
Protein change: p.Phe30=; no amino-acid change (phenylalanine 30 retained).
Molecular consequence: synonymous variant.
Genome position (GRCh38, 1-based): chr6:53,544,556, G>A on the plus strand (C>T on the coding strand, the complement: GCLC is on the minus strand). VCF-style: chr6-53544556-G-A. GRCh37 (hg19) VCF-style: chr6-53409354-G-A.
Other names: c.90C>T, p.Phe30= (NM_001197115.2).
Identifiers: ClinVar variation 4874529 (VCV004874529.2).

ClinVar aggregate classification (germline): Likely benign (1 of 4 stars; one submission).

Submission:

CeGaT Center for Human Genetics Tuebingen
Classification: Likely benign. Last evaluated: 2026-04-01. Review status: criteria provided, single submitter. Criteria: CeGaT Center For Human Genetics Tuebingen Variant Classification Criteria Version 2. Collection method: clinical testing. Allele origin: germline. Affected: yes. Observed: 1 variant allele.
Comment: GCLC: PM2:Supporting, BP4, BP7